The following is an entry in ClinVar:

NM_006059.4(LAMC3):c.2480del (p.Leu827fs)

Gene: LAMC3 (laminin subunit gamma 3; plus strand). Cytogenetic location: 9q34.12.
Variant type: Deletion.
Coding change: c.2480del on transcript NM_006059.4 (MANE Select); coding-DNA position 2480, one base deleted (T; older notation c.2480delT).
Protein change: p.Leu827fs; shifts the reading frame from leucine 827.
Molecular consequence: frameshift variant.
Genome position (GRCh38, 1-based): chr9:131,067,092, T deleted. VCF-style (leftmost placement, unchanged base first): chr9-131067091-CT-C. GRCh37 (hg19) VCF-style: chr9-133942478-CT-C.
Other names: short protein forms L827fs.
Identifiers: ClinVar variation 1365119 (VCV001365119.6), dbSNP rs1334057595, ClinGen allele CA590945788.
Genomic context (GRCh38, chr9:131,067,091, plus strand): 5'-TGCCACCAGTGCCAGTGTAGCGGGAACGTGGACCCCAATGCCGTGGGCAACTGTGACCCC[CT>C]GTCTGGCCACTGCCTGCGCTGCCTGCACAACACCACGGGTGACCACTGTGAGCACTGTCA-3'

ClinVar aggregate classification (germline): Pathogenic (1 of 4 stars; one submission).

Allele frequency attached by ClinVar (database versions not stated): gnomAD exomes below 0.00001; TOPMed below 0.00001.

Submission:

Labcorp Genetics (formerly Invitae), Labcorp
Classification: Pathogenic. Last evaluated: 2024-07-26. Review status: criteria provided, single submitter. Criteria: Invitae Variant Classification Sherloc (09022015). Collection method: clinical testing. Allele origin: germline.
Comment: This sequence change creates a premature translational stop signal (p.Leu827Argfs*57) in the LAMC3 gene. It is expected to result in an absent or disrupted protein product. Loss-of-function variants in LAMC3 are known to be pathogenic (PMID: 21572413, 26802095). This variant is present in population databases (no rsID available, gnomAD 0.0009%). This variant has not been reported in the literature in individuals affected with LAMC3-related conditions. ClinVar contains an entry for this variant (Variation ID: 1365119). For these reasons, this variant has been classified as Pathogenic.

Literature cited by the submitters: PubMed 21572413; PubMed 26802095.